The following is an entry in ClinVar:

ClinVar aggregate classification (germline): Likely pathogenic (1 of 4 stars; one submission).

Submission:

Labcorp Genetics (formerly Invitae), Labcorp
Classification: Likely pathogenic. Last evaluated: 2023-03-10. Review status: criteria provided, single submitter. Criteria: Invitae Variant Classification Sherloc (09022015). Collection method: clinical testing. Allele origin: germline.
Comment: In summary, the currently available evidence indicates that the variant is pathogenic, but additional data are needed to prove that conclusively. Therefore, this variant has been classified as Likely Pathogenic. Advanced modeling of protein sequence and biophysical properties (such as structural, functional, and spatial information, amino acid conservation, physicochemical variation, residue mobility, and thermodynamic stability) performed at Invitae indicates that this missense variant is expected to disrupt COL2A1 protein function. This missense change has been observed in individuals with clinical features consistent with spondyloepiphyseal dysplasia (PMID: 35052477; Invitae). This variant is not present in population databases (gnomAD no frequency). This sequence change replaces tryptophan, which is neutral and slightly polar, with cysteine, which is neutral and slightly polar, at codon 1299 of the COL2A1 protein (p.Trp1299Cys).

Literature cited by the submitters: PubMed 35052477.

NM_001844.5(COL2A1):c.3897G>C (p.Trp1299Cys)

Gene: COL2A1 (collagen type II alpha 1 chain; minus strand). Cytogenetic location: 12q13.11.
Variant type: single nucleotide variant.
Coding change: c.3897G>C on transcript NM_001844.5 (MANE Select); coding-DNA position 3897, G replaced by C.
Protein change: p.Trp1299Cys; replaces tryptophan 1299 with cysteine.
Molecular consequence: missense variant.
Genome position (GRCh38, 1-based): chr12:47,974,852, C>G on the plus strand (G>C on the coding strand, the complement: COL2A1 is on the minus strand). VCF-style: chr12-47974852-C-G. GRCh37 (hg19) VCF-style: chr12-48368635-C-G.
Other names: c.3690G>C, p.Trp1230Cys (NM_033150.3); short protein forms W1230C, W1299C.
Identifiers: ClinVar variation 2844835 (VCV002844835.3), dbSNP rs2136508895, ClinGen allele CA384536179.